The following is an entry in ClinVar:

ClinVar aggregate classification (germline): Uncertain significance (1 of 4 stars; one submission).

Conditions:
Menkes kinky-hair syndrome (MNK). Also called: Copper transport disease; Menkes Disease; Classic Menkes Disease. Identifiers: Orphanet 565, MedGen C0022716, MONDO:0010651, OMIM 309400.
X-linked distal spinal muscular atrophy type 3. Also called: ATP7A-Related Distal Motor Neuropathy; SPINAL MUSCULAR ATROPHY, DISTAL, X-LINKED RECESSIVE; NEURONOPATHY, DISTAL HEREDITARY MOTOR, X-LINKED; NEUROPATHY, DISTAL HEREDITARY MOTOR, X-LINKED. Identifiers: Orphanet 139557, MedGen C1845359, MONDO:0010338, OMIM 300489.
Cutis laxa, X-linked (OHS). Also called: EDS IX; Occipital horn syndrome. Identifiers: Orphanet 198, MedGen C0268353, MONDO:0010572, OMIM 304150.

Submission:

Labcorp Genetics (formerly Invitae), Labcorp
Classification: Uncertain significance for X-linked distal spinal muscular atrophy type 3; Cutis laxa, X-linked; Menkes kinky-hair syndrome. Last evaluated: 2024-10-03. Review status: criteria provided, single submitter. Criteria: Invitae Variant Classification Sherloc (09022015). Collection method: clinical testing. Allele origin: germline.
Comment: This sequence change replaces leucine, which is neutral and non-polar, with valine, which is neutral and non-polar, at codon 1032 of the ATP7A protein (p.Leu1032Val). This variant is not present in population databases (gnomAD no frequency). This variant has not been reported in the literature in individuals affected with ATP7A-related conditions. Invitae Evidence Modeling of protein sequence and biophysical properties (such as structural, functional, and spatial information, amino acid conservation, physicochemical variation, residue mobility, and thermodynamic stability) indicates that this missense variant is not expected to disrupt ATP7A protein function with a negative predictive value of 95%. In summary, the available evidence is currently insufficient to determine the role of this variant in disease. Therefore, it has been classified as a Variant of Uncertain Significance.

NM_000052.7(ATP7A):c.3094T>G (p.Leu1032Val)

Gene: ATP7A (ATPase copper transporting alpha; plus strand). Cytogenetic location: Xq21.1.
Variant type: single nucleotide variant.
Coding change: c.3094T>G on transcript NM_000052.7 (MANE Select); coding-DNA position 3094, T replaced by G.
Protein change: p.Leu1032Val; replaces leucine 1032 with valine.
Molecular consequence: missense variant.
Genome position (GRCh38, 1-based): chrX:78,029,427, T>G. VCF-style: chrX-78029427-T-G. GRCh37 (hg19) VCF-style: chrX-77284924-T-G.
Other names: c.2860T>G, p.Leu954Val (NM_001282224.2); short protein forms L1032V, L954V.
Identifiers: ClinVar variation 3753812 (VCV003753812.2).